The following is an entry in ClinVar:

NM_001035.3(RYR2):c.4331G>A (p.Gly1444Asp)

Gene: RYR2 (ryanodine receptor 2; plus strand). Cytogenetic location: 1q43.
Variant type: single nucleotide variant.
Coding change: c.4331G>A on transcript NM_001035.3 (MANE Select); coding-DNA position 4331, G replaced by A.
Protein change: p.Gly1444Asp; replaces glycine 1444 with aspartic acid.
Molecular consequence: missense variant.
Genome position (GRCh38, 1-based): chr1:237,593,531, G>A. VCF-style: chr1-237593531-G-A. GRCh37 (hg19) VCF-style: chr1-237756831-G-A.
Other names: short protein forms G1444D.
Identifiers: ClinVar variation 3385723 (VCV003385723.1).

ClinVar aggregate classification (germline): Uncertain significance (1 of 4 stars; one submission).

Conditions:
Catecholaminergic polymorphic ventricular tachycardia (CVPT). Also called: Catecholamine-induced polymorphic ventricular tachycardia. Identifiers: Orphanet 3286, MedGen C5574922, MONDO:0017990.

Submission:

All of Us Research Program, National Institutes of Health
Classification: Uncertain significance for Catecholaminergic polymorphic ventricular tachycardia. Last evaluated: 2024-09-02. Review status: criteria provided, single submitter. Criteria: ACMG Guidelines, 2015. Collection method: clinical testing. Allele origin: germline. Inheritance: Autosomal dominant inheritance. Observed: 1 variant allele, 1 heterozygote.
Comment: This study involves interpretation of variants in research participants for the purpose of population health screening. Participant phenotype was not available at the time of variant classification. Additional details can be found in publication PMID: 35346344, PMCID: PMC8962531